The following is an entry in ClinVar:

NM_006904.7(PRKDC):c.10494G>C (p.Trp3498Cys)

Gene: PRKDC (protein kinase, DNA-activated, catalytic subunit; minus strand). Cytogenetic location: 8q11.21.
Variant type: single nucleotide variant.
Coding change: c.10494G>C on transcript NM_006904.7 (MANE Select); coding-DNA position 10494, G replaced by C.
Protein change: p.Trp3498Cys; replaces tryptophan 3498 with cysteine.
Molecular consequence: missense variant.
Genome position (GRCh38, 1-based): chr8:47,794,466, C>G on the plus strand (G>C on the coding strand, the complement: PRKDC is on the minus strand). VCF-style: chr8-47794466-C-G. GRCh37 (hg19) VCF-style: chr8-48707027-C-G.
Other names: c.10494G>C, p.Trp3498Cys (NM_001081640.2); short protein forms W3498C.
Identifiers: ClinVar variation 3719370 (VCV003719370.1).

ClinVar aggregate classification (germline): Uncertain significance (1 of 4 stars; one submission).

Conditions:
Severe combined immunodeficiency due to DNA-PKcs deficiency. Also called: IMMUNODEFICIENCY 26 WITH NEUROLOGIC ABNORMALITIES; Immunodeficiency 26 with or without neurologic abnormalities. Identifiers: Orphanet 317425, MedGen C4014833, MONDO:0014423, OMIM 615966.

gnomAD v4.1: 6 of 1,613,274 alleles (0.00037%); highest among the groups gnomAD compares: Non-Finnish European, 0.00051%; no homozygotes.

Submission:

Labcorp Genetics (formerly Invitae), Labcorp
Classification: Uncertain significance for Severe combined immunodeficiency due to DNA-PKcs deficiency. Last evaluated: 2024-03-27. Review status: criteria provided, single submitter. Criteria: Invitae Variant Classification Sherloc (09022015). Collection method: clinical testing. Allele origin: germline.
Comment: This sequence change replaces tryptophan, which is neutral and slightly polar, with cysteine, which is neutral and slightly polar, at codon 3498 of the PRKDC protein (p.Trp3498Cys). This variant is not present in population databases (gnomAD no frequency). This variant has not been reported in the literature in individuals affected with PRKDC-related conditions. Advanced modeling of protein sequence and biophysical properties (such as structural, functional, and spatial information, amino acid conservation, physicochemical variation, residue mobility, and thermodynamic stability) performed at Invitae indicates that this missense variant is expected to disrupt PRKDC protein function with a positive predictive value of 80%. In summary, the available evidence is currently insufficient to determine the role of this variant in disease. Therefore, it has been classified as a Variant of Uncertain Significance.